The following is an entry in ClinVar:

ClinVar aggregate classification (germline): Uncertain significance (1 of 4 stars; one submission).

Conditions:
Hereditary cancer-predisposing syndrome. Also called: Hereditary Cancer Syndrome; Hereditary neoplastic syndrome; Tumor predisposition; Neoplastic Syndromes, Hereditary. Identifiers: Orphanet 140162, MedGen C0027672, MeSH D009386, MONDO:0015356.

Submission:

Ambry Genetics
Classification: Uncertain significance for Hereditary cancer-predisposing syndrome. Last evaluated: 2024-10-17. Review status: criteria provided, single submitter. Criteria: Ambry Variant Classification Scheme 2023. Collection method: clinical testing. Allele origin: germline.
Comment: The p.P1262L variant (also known as c.3785C>T), located in coding exon 25 of the ALK gene, results from a C to T substitution at nucleotide position 3785. The proline at codon 1262 is replaced by leucine, an amino acid with similar properties. This amino acid position is conserved. In addition, this alteration is predicted to be tolerated by in silico analysis. Based on the available evidence, the clinical significance of this variant remains unclear.

NM_004304.5(ALK):c.3785C>T (p.Pro1262Leu)

Gene: ALK (ALK receptor tyrosine kinase; minus strand). Cytogenetic location: 2p23.2.
Variant type: single nucleotide variant.
Coding change: c.3785C>T on transcript NM_004304.5 (MANE Select); coding-DNA position 3785, C replaced by T.
Protein change: p.Pro1262Leu; replaces proline 1262 with leucine.
Molecular consequence: missense variant.
Genome position (GRCh38, 1-based): chr2:29,209,837, G>A on the plus strand (C>T on the coding strand, the complement: ALK is on the minus strand). VCF-style: chr2-29209837-G-A. GRCh37 (hg19) VCF-style: chr2-29432703-G-A.
Other names: c.581C>T, p.Pro194Leu (NM_001353765.2); short protein forms P1262L, P194L.
Identifiers: ClinVar variation 3524903 (VCV003524903.1).